The following is an entry in ClinVar:

ClinVar aggregate classification (germline): Uncertain significance (1 of 4 stars; one submission).

Conditions:
Beckwith-Wiedemann syndrome (BWS). Also called: Exomphalos macroglossia gigantism syndrome; EMG SYNDROME. Identifiers: Orphanet 116, MedGen C0004903, MONDO:0007534, OMIM 130650.

Submission:

Labcorp Genetics (formerly Invitae), Labcorp
Classification: Uncertain significance for Beckwith-Wiedemann syndrome. Last evaluated: 2024-02-14. Review status: criteria provided, single submitter. Criteria: Invitae Variant Classification Sherloc (09022015). Collection method: clinical testing. Allele origin: germline.
Comment: This sequence change replaces proline, which is neutral and non-polar, with arginine, which is basic and polar, at codon 160 of the CDKN1C protein (p.Pro160Arg). This variant is not present in population databases (gnomAD no frequency). This variant has not been reported in the literature in individuals affected with CDKN1C-related conditions. Advanced modeling of protein sequence and biophysical properties (such as structural, functional, and spatial information, amino acid conservation, physicochemical variation, residue mobility, and thermodynamic stability) performed at Invitae indicates that this missense variant is not expected to disrupt CDKN1C protein function with a negative predictive value of 80%. In summary, the available evidence is currently insufficient to determine the role of this variant in disease. Therefore, it has been classified as a Variant of Uncertain Significance.

NM_001122630.2(CDKN1C):c.446C>G (p.Pro149Arg)

Gene: CDKN1C (cyclin dependent kinase inhibitor 1C; minus strand). Cytogenetic location: 11p15.4.
Variant type: single nucleotide variant.
Coding change: c.446C>G on transcript NM_001122630.2 (MANE Select); coding-DNA position 446, C replaced by G.
Protein change: p.Pro149Arg; replaces proline 149 with arginine.
Molecular consequence: missense variant. On other transcripts: intron variant (1).
Genome position (GRCh38, 1-based): chr11:2,885,011, G>C on the plus strand (C>G on the coding strand, the complement: CDKN1C is on the minus strand). VCF-style: chr11-2885011-G-C. GRCh37 (hg19) VCF-style: chr11-2906241-G-C.
Other names: c.479C>G, p.Pro160Arg (NM_000076.2, NM_001362474.2); c.446C>G, p.Pro149Arg (NM_001122631.2); c.255+191C>G (NM_001362475.2); short protein forms P160R, P149R.
Identifiers: ClinVar variation 2908559 (VCV002908559.3), dbSNP rs1848950838, ClinGen allele CA379146619.